The following is an entry in ClinVar:

NM_198075.4(LRRC56):c.1443C>T (p.Val481=)

Gene: LRRC56 (leucine rich repeat containing 56; plus strand). Cytogenetic location: 11p15.5.
Variant type: single nucleotide variant.
Coding change: c.1443C>T on transcript NM_198075.4 (MANE Select); coding-DNA position 1443, C replaced by T.
Protein change: p.Val481=; no amino-acid change (valine 481 retained).
Molecular consequence: synonymous variant.
Genome position (GRCh38, 1-based): chr11:554,090, C>T. VCF-style: chr11-554090-C-T. GRCh37 (hg19) VCF-style: chr11-554090-C-T.
Other names: c.1443C>T (NM_198075.3).
Identifiers: ClinVar variation 1528306 (VCV001528306.10), dbSNP rs144961654, ClinGen allele CA5780110.

ClinVar aggregate classification (germline): Likely benign. Review status: criteria provided, single submitter (1 of 4 stars). 2 submissions from 2 submitters: Likely benign (1). 1 of the submissions does not count toward it. Last evaluated 2025-10-24.

Conditions:
LRRC56-related disorder. Also called: LRRC56-related condition.

Allele frequency attached by ClinVar (database versions not stated): gnomAD 0.00002; ExAC 0.00004; gnomAD exomes 0.00005; TOPMed 0.00006; ESP Exome Variant Server 0.00015.
gnomAD v4.1: 111 of 1,607,810 alleles (0.0069%); highest among the groups gnomAD compares: Admixed American, 0.017%; no homozygotes.

Submissions (2):

Labcorp Genetics (formerly Invitae), Labcorp
Classification: Likely benign. Last evaluated: 2025-10-24. Review status: criteria provided, single submitter. Criteria: Invitae Variant Classification Sherloc (09022015). Collection method: clinical testing. Allele origin: germline.

PreventionGenetics, part of Exact Sciences
Classification: Likely benign for LRRC56-related condition. Last evaluated: 2019-07-23. Review status: no assertion criteria provided. Collection method: clinical testing. Allele origin: germline. Not counted in ClinVar's aggregate classification.
Comment: This variant is classified as likely benign based on ACMG/AMP sequence variant interpretation guidelines (Richards et al. 2015 PMID: 25741868, with internal and published modifications).